The following is an entry in ClinVar:

ClinVar aggregate classification (germline): Likely pathogenic (1 of 4 stars; one submission).

Conditions:
Bardet-Biedl syndrome 2 (BBS2). Identifiers: Orphanet 110, MedGen C2936863, MONDO:0014432, OMIM 615981.

Submission:

DBGen Ocular Genomics
Classification: Likely pathogenic for Bardet-Biedl syndrome 2. Last evaluated: 2022-01-01. Review status: criteria provided, single submitter. Criteria: ACMG Guidelines, 2015. Collection method: clinical testing. Allele origin: unknown. Inheritance: Autosomal recessive inheritance. Affected: yes.
Comment: Class 4 ACMG Guidelines, 2015 (PMID:25741868)

NM_031885.5(BBS2):c.421_423del (p.Asn141del)

Gene: BBS2 (Bardet-Biedl syndrome 2; minus strand). Cytogenetic location: 16q13.
Variant type: Deletion.
Coding change: c.421_423del on transcript NM_031885.5 (MANE Select); coding-DNA positions 421 to 423, 3 bases deleted (AAT; older notation c.421_423delAAT).
Protein change: p.Asn141del; deletes asparagine 141.
Molecular consequence: inframe deletion. On other transcripts: non-coding transcript variant (5).
Genome position (GRCh38, 1-based): chr16:56,511,207-56,511,209, ATT deleted on the plus strand (AAT on the coding strand, the reverse complement: BBS2 is on the minus strand). VCF-style (leftmost placement, unchanged base first): chr16-56511206-AATT-A. GRCh37 (hg19) VCF-style: chr16-56545118-AATT-A.
Other names: c.421_423del, p.Asn141del (NM_001377456.1); c.421_423delAAT (NM_031885.5); short protein forms N141del.
Identifiers: ClinVar variation 2628019 (VCV002628019.2), dbSNP rs2543733379, ClinGen allele CA2695197666.
Genomic context (GRCh38, chr16:56,511,206, plus strand): 5'-TTCTTCTTCATACCGTCCAAAAGAGATCACTTCCTTCATGATTGAAACCTTGCAGAGCAC[AATT>A]GCCACCAATAATCGCAAGAGGGGAAGAAATGTCTCCCAATGTCCCCAGCACAATTGCATT-3'